The following is an entry in ClinVar:

NM_000094.4(COL7A1):c.8497G>T (p.Val2833Leu)

Gene: COL7A1 (collagen type VII alpha 1 chain; minus strand). Cytogenetic location: 3p21.31.
Variant type: single nucleotide variant.
Coding change: c.8497G>T on transcript NM_000094.4 (MANE Select); coding-DNA position 8497, G replaced by T.
Protein change: p.Val2833Leu; replaces valine 2833 with leucine.
Molecular consequence: missense variant.
Genome position (GRCh38, 1-based): chr3:48,565,440, C>A on the plus strand (G>T on the coding strand, the complement: COL7A1 is on the minus strand). VCF-style: chr3-48565440-C-A. GRCh37 (hg19) VCF-style: chr3-48602873-C-A.
Other names: short protein forms V2833L.
Identifiers: ClinVar variation 4801653 (VCV004801653.1).
Genomic context (GRCh38, chr3:48,565,440, plus strand): 5'-TAGCTGCCCCACGGGTTCAGCTGTCCTCACCTTCCTCCTCTGCATGAGAGACGCGGAGCA[C>A]AGGCACAGCATGGAGCTGGGAGCCGGCAGTGTCTGCAGCATAACTAGGGAGGGGTCCTGG-3'
Protein context (NP_000085.1, residues 2823-2843): TAGSQLHAVP[Val2833Leu]LRVSHAEEEE

ClinVar aggregate classification (germline): Uncertain significance (1 of 4 stars; one submission).

Submission:

Labcorp Genetics (formerly Invitae), Labcorp
Classification: Uncertain significance. Last evaluated: 2025-08-19. Review status: criteria provided, single submitter. Criteria: Invitae Variant Classification Sherloc (09022015). Collection method: clinical testing. Allele origin: germline.
Comment: This sequence change replaces valine, which is neutral and non-polar, with leucine, which is neutral and non-polar, at codon 2833 of the COL7A1 protein (p.Val2833Leu). This variant is not present in population databases (gnomAD no frequency). This variant has not been reported in the literature in individuals affected with COL7A1-related conditions. Invitae Evidence Modeling of protein sequence and biophysical properties (such as structural, functional, and spatial information, amino acid conservation, physicochemical variation, residue mobility, and thermodynamic stability) indicates that this missense variant is not expected to disrupt COL7A1 protein function with a negative predictive value of 95%. In summary, the available evidence is currently insufficient to determine the role of this variant in disease. Therefore, it has been classified as a Variant of Uncertain Significance.